The following is an entry in ClinVar:

ClinVar aggregate classification (germline): Pathogenic. Review status: criteria provided, multiple submitters, no conflicts (2 of 4 stars). 4 submissions from 3 submitters: Pathogenic (2). 2 of the submissions do not count toward it. Last evaluated 2022-03-24.

Conditions:
Pallister-Hall syndrome (PHS). Also called: HYPOTHALAMIC HAMARTOBLASTOMA, HYPOPITUITARISM, IMPERFORATE ANUS, AND POSTAXIAL POLYDACTYLY; GLI3-Related Pallister-Hall Syndrome. Identifiers: Orphanet 672, MedGen C0265220, MONDO:0007804, OMIM 146510.
Greig cephalopolysyndactyly syndrome (GCPS). Also called: GLI3-Related Greig Cephalopolysyndactyly Syndrome; POLYSYNDACTYLY WITH PECULIAR SKULL SHAPE; Greig syndrome. Identifiers: Orphanet 380, MedGen C0265306, MONDO:0008287, OMIM 175700.
Polysyndactyly 4. Also called: Polysyndactyly uncomplicated; Preaxial polydactyly 4. Identifiers: Orphanet 93338, MedGen C1868111, MONDO:0008272, OMIM 174700.

Allele frequency attached by ClinVar (database versions not stated): gnomAD exomes below 0.00001.
gnomAD v4.1: 1 of 1,613,978 alleles (0.000062%); highest among the groups gnomAD compares: Non-Finnish European, 0.000085%; no homozygotes.

Submissions (4):

Medical Genetics Center, Maternal and Child Health Hospital of Hubei Province
Classification: Pathogenic for Greig cephalopolysyndactyly syndrome. Last evaluated: 2022-03-24. Review status: criteria provided, single submitter. Criteria: ACMG Guidelines, 2015. Collection method: clinical testing. Allele origin: de novo. Affected: yes.

Labcorp Genetics (formerly Invitae), Labcorp
Classification: Pathogenic for Pallister-Hall syndrome; Greig cephalopolysyndactyly syndrome. Last evaluated: 2016-07-03. Review status: criteria provided, single submitter. Criteria: Invitae Variant Classification Sherloc (09022015). Collection method: clinical testing. Allele origin: germline.
Comment: For these reasons, this variant has been classified as Pathogenic. Loss-of-function variants in GLI3 are known to be pathogenic. This particular variant has been reported in the literature in individuals and families affected with preaxial polydactylytype-IV and Greig cephalopolysyndactyly syndrome (PMID: 15739154, 24736735, 15811011). This sequence change creates a premature translational stop signal at codon 290 (p.Arg290*) of the GLI3 gene. It is expected to result in an absent or disrupted protein product.

OMIM
Classification: Pathogenic for GREIG CEPHALOPOLYSYNDACTYLY SYNDROME. Last evaluated: 2008-04-24. Review status: no assertion criteria provided. Collection method: literature only. Allele origin: germline. Not counted in ClinVar's aggregate classification.

OMIM
Classification: Pathogenic for PREAXIAL POLYDACTYLY, TYPE IV. Last evaluated: 2008-04-24. Review status: no assertion criteria provided. Collection method: literature only. Allele origin: germline. Not counted in ClinVar's aggregate classification.

Literature cited by the submitters: PubMed 15739154 (cited by 3 submitters); PubMed 15811011 (cited by 3 submitters); PubMed 24736735 (cited by Medical Genetics Center, Maternal and Child Health Hospital of Hubei Province and Labcorp Genetics (formerly Invitae), Labcorp); Fujioka, H., Ariga, T. Response to Biesecker and Johnston. (Letter) Clin. Genet. 68: 285-only, 2005. (cited by OMIM); Biesecker, L. G. The Grieg polysyndactyly syndrome. Orphanet J. Rare Dis. 3: 10, 2008. Note: Electronic Article. (cited by OMIM); PubMed 6641002 (cited by OMIM).

NM_000168.6(GLI3):c.868C>T (p.Arg290Ter)

Gene: GLI3 (GLI family zinc finger 3; minus strand). Cytogenetic location: 7p14.1.
Variant type: single nucleotide variant.
Coding change: c.868C>T on transcript NM_000168.6 (MANE Select); coding-DNA position 868, C replaced by T.
Protein change: p.Arg290Ter; replaces arginine 290 with a stop codon.
Molecular consequence: nonsense.
Genome position (GRCh38, 1-based): chr7:42,040,198, G>A on the plus strand (C>T on the coding strand, the complement: GLI3 is on the minus strand). VCF-style: chr7-42040198-G-A. GRCh37 (hg19) VCF-style: chr7-42079797-G-A.
Other names: short protein forms R290*.
Identifiers: ClinVar variation 13826 (VCV000013826.11), dbSNP rs121917713, ClinGen allele CA123498.